The following is an entry in ClinVar:

ClinVar aggregate classification (germline): Uncertain significance. Review status: criteria provided, multiple submitters, no conflicts (2 of 4 stars). 2 submissions from 2 submitters: Uncertain significance (2). Last evaluated 2023-08-28.

gnomAD v4.1: 3 of 1,614,200 alleles (0.00019%); highest among the groups gnomAD compares: Non-Finnish European, 0.00025%; no homozygotes.

Submissions (2):

Labcorp Genetics (formerly Invitae), Labcorp
Classification: Uncertain significance. Last evaluated: 2023-08-28. Review status: criteria provided, single submitter. Criteria: Invitae Variant Classification Sherloc (09022015). Collection method: clinical testing. Allele origin: germline.
Comment: In summary, the available evidence is currently insufficient to determine the role of this variant in disease. Therefore, it has been classified as a Variant of Uncertain Significance. An algorithm developed to predict the effect of missense changes on protein structure and function (PolyPhen-2) suggests that this variant is likely to be disruptive. ClinVar contains an entry for this variant (Variation ID: 1956434). This variant has not been reported in the literature in individuals affected with RP1-related conditions. This variant is present in population databases (no rsID available, gnomAD 0.0009%). This sequence change replaces valine, which is neutral and non-polar, with alanine, which is neutral and non-polar, at codon 470 of the RP1 protein (p.Val470Ala).

Blueprint Genetics
Classification: Uncertain significance. Last evaluated: 2022-09-29. Review status: criteria provided, single submitter. Criteria: ACMG Guidelines, 2015. Collection method: clinical testing. Allele origin: germline.

NM_006269.2(RP1):c.1409T>C (p.Val470Ala)

Gene: RP1 (RP1 axonemal microtubule associated; plus strand). Cytogenetic location: 8q12.1.
Variant type: single nucleotide variant.
Coding change: c.1409T>C on transcript NM_006269.2 (MANE Select); coding-DNA position 1409, T replaced by C.
Protein change: p.Val470Ala; replaces valine 470 with alanine.
Molecular consequence: missense variant. On other transcripts: intron variant (1).
Genome position (GRCh38, 1-based): chr8:54,625,291, T>C. VCF-style: chr8-54625291-T-C. GRCh37 (hg19) VCF-style: chr8-55537851-T-C.
Other names: c.787+3003T>C (NM_001375654.1); short protein forms V470A.
Identifiers: ClinVar variation 1956434 (VCV001956434.6), dbSNP rs967778254, ClinGen allele CA370990251.